The following is an entry in ClinVar:

ClinVar aggregate classification (germline): Pathogenic. Review status: criteria provided, multiple submitters, no conflicts (2 of 4 stars). 36 submissions from 34 submitters: Pathogenic (24). 12 of the submissions do not count toward it. Last evaluated 2026-09-17.

Conditions:
Fetal anomalies with a likely genetic cause.
ARSA-related disorder. Also called: ARSA-related condition.
Metachromatic leukodystrophy, juvenile type. Also called: Metachromatic leukodystrophy, juvenile form. Identifiers: Orphanet 309263, MedGen C0751276, MONDO:0009591.
Metachromatic leukodystrophy (MLD). Also called: METACHROMATIC LEUKOENCEPHALOPATHY; Arylsulfatase A Deficiency; ARSA DEFICIENCY; CEREBROSIDE SULFATASE DEFICIENCY; SULFATIDE LIPIDOSIS; Cerebral sclerosis diffuse metachromatic form. Identifiers: Orphanet 512, MedGen C0023522, MONDO:0018868, OMIM 250100.
Metachromatic leukodystrophy, adult type. Also called: Metachromatic leukodystrophy, adult form. Identifiers: Orphanet 309271, MedGen C0751279, MONDO:0017730.
Arylsulfatase a, allele a.
Intellectual disability. Also called: Intellectual functioning disability; intellectual disabilities; Intellectual developmental disorder. Identifiers: MedGen C3714756, MeSH D008607, MONDO:0001071, HP:0001249.

Allele frequency attached by ClinVar (database versions not stated): gnomAD exomes 0.00046 and 0.00039; ExAC 0.00037; gnomAD 0.00037; TOPMed 0.00037.

Submissions 1 to 10 of 37:

Laboratory of Experimental Gene Therapy of Hereditary Metabolic Diseases, Research Centre for Medical Genetics
Classification: Pathogenic for Metachromatic leukodystrophy. Last evaluated: 2026-09-17. Review status: criteria provided, single submitter. Criteria: ARSA MLD Assertion Criteria V2 2026 09 18. Collection method: clinical testing. Allele origin: germline. Inheritance: Autosomal recessive inheritance. Observed: 15 variant alleles, 3 heterozygotes, 11 compound heterozygotes, 1 homozygote.
Comment: The previously reported Pathogenic classification was reviewed and retained for the accompanying study. External ClinVar record reviewed: VCV000003052.98. Observations from the present referral series were not used to establish pathogenicity.

Genetics Laboratory, Great Ormond Street Hospital NHS Foundation Trust, North Thames Genomic Laboratory Hub
Classification: Pathogenic for Fetal anomalies with a likely genetic cause. Last evaluated: 2026-08-21. Review status: criteria provided, single submitter. Criteria: ACGS Best Practice Guidelines for Variant Classification in Rare Disease 2024 v1.2. Collection method: clinical testing. Allele origin: germline. Affected: yes.
Comment: PP3_supporting, PM3_very-strong, PP4_strong

CeGaT Center for Human Genetics Tuebingen
Classification: Pathogenic. Last evaluated: 2026-06-01. Review status: criteria provided, single submitter. Criteria: CeGaT Center For Human Genetics Tuebingen Variant Classification Criteria Version 2. Collection method: clinical testing. Allele origin: germline. Affected: yes. Observed: 10 variant alleles.
Comment: ARSA: PM3:Very Strong, PM1, PM2, PS3:Supporting

Dasa
Classification: Pathogenic. Last evaluated: 2026-02-06. Review status: criteria provided, single submitter. Criteria: DASA Assertion Criteria. Collection method: clinical testing. Allele origin: germline.
Comment: NM_000487.6(ARSA):c.1283C>T (p.Pro428Leu) is a missense variant that results in the substitution of proline with leucine. The affected residue or protein region has prior evidence supporting clinical relevance. This variant has been recurrently observed in affected individuals with related phenotype in a genotype context consistent with recessive disease (PMID: 40751594; PMID: 36240581; PMID: 32632536). Functional evidence supports a deleterious effect on the gene or gene product (PMID: 40751594; PMID: 36240581; PMID: 32632536). Multiple computational predictions support a deleterious effect on the gene or gene product. The variant is present at low frequency in population datasets. Based on the available data, this variant is classified as pathogenic.

Labcorp Genetics (formerly Invitae), Labcorp
Classification: Pathogenic for Metachromatic leukodystrophy. Last evaluated: 2026-01-19. Review status: criteria provided, single submitter. Criteria: Invitae Variant Classification Sherloc (09022015). Collection method: clinical testing. Allele origin: germline.
Comment: This sequence change replaces proline, which is neutral and non-polar, with leucine, which is neutral and non-polar, at codon 428 of the ARSA protein (p.Pro428Leu). This variant is present in population databases (rs28940893, gnomAD 0.08%). This missense change has been observed in individuals with metachromatic leukodystrophy (MLD) (PMID: 1670590, 9090526, 9096767, 11941485, 26462614). ClinVar contains an entry for this variant (Variation ID: 3052). Invitae Evidence Modeling of protein sequence and biophysical properties (such as structural, functional, and spatial information, amino acid conservation, physicochemical variation, residue mobility, and thermodynamic stability) indicates that this missense variant is expected to disrupt ARSA protein function with a positive predictive value of 95%. Experimental studies have shown that this missense change affects ARSA function (PMID: 11777924, 11941485). For these reasons, this variant has been classified as Pathogenic.

Natera, Inc.
Classification: Pathogenic for Metachromatic leukodystrophy. Last evaluated: 2026-01-19. Review status: criteria provided, single submitter. Criteria: Natera Variant Classification Schema (03/2026). Collection method: clinical testing. Allele origin: germline.
Comment: The c.1283C>T variant in ARSA is a missense variant predicted to cause substitution of proline to leucine at amino acid 428. This variant is rare in the general population with a frequency below the threshold expected for the associated phenotype(s). This variant has been observed in one or more individuals affected with the associated recessive disease, as either homozygous or compound heterozygous with a second variant (PMID: 36240581). Given the available evidence, this variant is classified as Pathogenic.

Athena Diagnostics
Classification: Pathogenic. Last evaluated: 2025-08-08. Review status: criteria provided, single submitter. Criteria: Athena Diagnostics Criteria. Collection method: clinical testing. Allele origin: unknown.
Comment: The frequency of this variant in the general population is consistent with pathogenicity. This variant has been previously referred to as c.1277C>T (p.Pro426Leu) in published literature. Assessment of experimental evidence suggests this variant results in abnormal protein function. (PMID: 11777924) In multiple individuals, this variant has been seen with a single recessive pathogenic variant in the same gene, suggesting this variant may also be pathogenic. At least one other missense variant at this codon is considered to be pathogenic or likely pathogenic, suggesting this variant may also cause disease.

Victorian Clinical Genetics Services, Murdoch Childrens Research Institute
Classification: Pathogenic for Metachromatic leukodystrophy. Last evaluated: 2025-04-14. Review status: criteria provided, single submitter. Criteria: ACMG Guidelines, 2015. Collection method: clinical testing. Allele origin: germline.
Comment: This variant is classified as Pathogenic. Evidence in support of pathogenic classification: Variant is present in gnomAD <0.01 for a recessive condition (v4: 716 heterozygote(s), 0 homozygote(s)) ; This variant has very strong previous evidence of pathogenicity in unrelated individuals. It has been reported as pathogenic in multiple individuals with metachromatic leukodystrophy (ClinVar, PMID: 26462614); This variant has limited evidence for segregation with disease (PMID: 26462614); This variant has strong functional evidence supporting abnormal protein function. It was shown to result in deficiency of protein octamerisation, lack of stability in lysosomes and reduced enzymatic activity (PMID: 11777924); Missense variant consistently predicted to be damaging by multiple in silico tools or highly conserved with a major amino acid change. Additional information: Variant is predicted to result in a missense amino acid change from proline to leucine; This variant is heterozygous; This gene is associated with autosomal recessive disease; No comparable missense variants have previous evidence for pathogenicity; Variant is not located in an established domain, motif, hotspot or informative constraint region; Loss of function is a known mechanism of disease in this gene and is associated with metachromatic leukodystrophy (MIM#250100).

PreventionGenetics, part of Exact Sciences
Classification: Pathogenic for ARSA-related condition. Last evaluated: 2025-01-25. Review status: criteria provided, single submitter. Criteria: ACMG Guidelines, 2015. Collection method: clinical testing. Allele origin: germline.
Comment: The ARSA c.1283C>T variant is predicted to result in the amino acid substitution p.Pro428Leu. In the homozygous and compound heterozygous states, this variant has been documented in numerous patients with metachromatic leukodystrophy (Cesani et al. 2016. PubMed ID: 26462614). It is one of the most common causative variants in the ARSA gene, and functional studies support its pathogenicity (Polten et al. 1991. PubMed ID: 1670590, legacy nomenclature p.Pro426Leu). This variant is classified as pathogenic.

3billion
Classification: Pathogenic for Metachromatic leukodystrophy. Last evaluated: 2024-11-05. Review status: criteria provided, single submitter. Criteria: ACMG Guidelines, 2015. Collection method: clinical testing. Allele origin: germline. Affected: yes.
Comment: The variant is observed at an extremely low frequency in the gnomAD v4.1.0 dataset (total allele frequency: 0.045%). Predicted Consequence/Location: Missense variant In silico tool predictions suggest damaging effect of the variant on gene or gene product [REVEL: 0.85 (>=0.6, sensitivity 0.68 and specificity 0.92); 3Cnet: 0.99 (>=0.6, sensitivity 0.72 and precision 0.9)]. The same nucleotide change resulting in the same amino acid change has been previously reported as pathogenic/likely pathogenic with strong evidence (ClinVar ID: VCV000003052 /PMID: 7866401). The variant has been reported to be in trans with a pathogenic variant as either compound heterozygous or homozygous in at least one similarly affected unrelated individual (PMID: 31186049). Different missense changes at the same codon (p.Pro428Ala, p.Pro428Ser) have been reported as pathogenic/likely pathogenic with strong evidence (ClinVar ID: VCV001470959, VCV002857864). Therefore, this variant is classified as Pathogenic according to the recommendation of ACMG/AMP guideline.

NM_000487.6(ARSA):c.1283C>T (p.Pro428Leu)

Gene: ARSA (arylsulfatase A; minus strand). Cytogenetic location: 22q13.33.
Variant type: single nucleotide variant.
Coding change: c.1283C>T on transcript NM_000487.6 (MANE Select); coding-DNA position 1283, C replaced by T.
Protein change: p.Pro428Leu; replaces proline 428 with leucine.
Molecular consequence: missense variant.
Genome position (GRCh38, 1-based): chr22:50,625,392, G>A on the plus strand (C>T on the coding strand, the complement: ARSA is on the minus strand). VCF-style: chr22-50625392-G-A. GRCh37 (hg19) VCF-style: chr22-51063820-G-A.
Other names: P426L; NP_000478.3:p.(Pro428Leu); c.1283C>T, p.Pro428Leu (NM_001085425.3, NM_001085426.3, NM_001085427.3); c.1025C>T, p.Pro342Leu (NM_001085428.3, NM_001362782.2); short protein forms P428L, P342L.
Identifiers: ClinVar variation 3052 (VCV000003052.104), dbSNP rs28940893, ClinGen allele CA115956.